The following is an entry in ClinVar:

ClinVar aggregate classification (germline): Uncertain significance. Review status: criteria provided, multiple submitters, no conflicts (2 of 4 stars). 2 submissions from 2 submitters: Uncertain significance (2). Last evaluated 2023-01-25.

Conditions:
NEFH-related disorder. Also called: NEFH-related condition.

Allele frequency attached by ClinVar (database versions not stated): gnomAD exomes 0.00001.
gnomAD v4.1: 17 of 1,613,616 alleles (0.0011%); highest among the groups gnomAD compares: Non-Finnish European, 0.0014%; no homozygotes.

Submissions (2):

PreventionGenetics, part of Exact Sciences
Classification: Uncertain significance for NEFH-related condition. Last evaluated: 2023-01-25. Review status: criteria provided, single submitter. Criteria: ACMG Guidelines, 2015. Collection method: clinical testing. Allele origin: germline.
Comment: The NEFH c.2345C>T variant is predicted to result in the amino acid substitution p.Pro782Leu. To our knowledge, this variant has not been reported in the literature. This variant is reported in 0.00088% of alleles in individuals of European (Non-Finnish) descent in gnomAD. At this time, the clinical significance of this variant is uncertain due to the absence of conclusive functional and genetic evidence.

Labcorp Genetics (formerly Invitae), Labcorp
Classification: Uncertain significance. Last evaluated: 2023-01-20. Review status: criteria provided, single submitter. Criteria: Invitae Variant Classification Sherloc (09022015). Collection method: clinical testing. Allele origin: germline.
Comment: In summary, the available evidence is currently insufficient to determine the role of this variant in disease. Therefore, it has been classified as a Variant of Uncertain Significance. Advanced modeling of protein sequence and biophysical properties (such as structural, functional, and spatial information, amino acid conservation, physicochemical variation, residue mobility, and thermodynamic stability) performed at Invitae indicates that this missense variant is not expected to disrupt NEFH protein function. This variant has not been reported in the literature in individuals affected with NEFH-related conditions. This variant is present in population databases (no rsID available, gnomAD 0.0009%). This sequence change replaces proline, which is neutral and non-polar, with leucine, which is neutral and non-polar, at codon 782 of the NEFH protein (p.Pro782Leu).

NM_021076.4(NEFH):c.2345C>T (p.Pro782Leu)

Gene: NEFH (neurofilament heavy chain; plus strand). Cytogenetic location: 22q12.2.
Variant type: single nucleotide variant.
Coding change: c.2345C>T on transcript NM_021076.4 (MANE Select); coding-DNA position 2345, C replaced by T.
Protein change: p.Pro782Leu; replaces proline 782 with leucine.
Molecular consequence: missense variant.
Genome position (GRCh38, 1-based): chr22:29,489,985, C>T. VCF-style: chr22-29489985-C-T. GRCh37 (hg19) VCF-style: chr22-29885974-C-T.
Other names: short protein forms P782L.
Identifiers: ClinVar variation 2630015 (VCV002630015.4), dbSNP rs1162287158, ClinGen allele CA411137032.